The following is an entry in ClinVar:

NM_001875.5(CPS1):c.3682C>G (p.Arg1228Gly)

Gene: CPS1 (carbamoyl-phosphate synthase 1; plus strand). Cytogenetic location: 2q34.
Variant type: single nucleotide variant.
Coding change: c.3682C>G on transcript NM_001875.5 (MANE Select); coding-DNA position 3682, C replaced by G.
Protein change: p.Arg1228Gly; replaces arginine 1228 with glycine.
Molecular consequence: missense variant. On other transcripts: non-coding transcript variant (2).
Genome position (GRCh38, 1-based): chr2:210,658,614, C>G. VCF-style: chr2-210658614-C-G. GRCh37 (hg19) VCF-style: chr2-211523338-C-G.
Other names: c.3682C>G, p.Arg1228Gly (NM_001122633.3, NM_001369257.1); c.3715C>G, p.Arg1239Gly (NM_001369256.1); short protein forms R1228G, R1239G.
Identifiers: ClinVar variation 4536701 (VCV004536701.1).

ClinVar aggregate classification (germline): Uncertain significance (1 of 4 stars; one submission).

Submission:

Women's Health and Genetics/Laboratory Corporation of America, LabCorp
Classification: Uncertain significance. Last evaluated: 2025-11-14. Review status: criteria provided, single submitter. Criteria: LabCorp Variant Classification Summary - May 2015. Collection method: clinical testing. Allele origin: germline.
Comment: Variant summary: CPS1 c.3682C>G (p.Arg1228Gly) results in a non-conservative amino acid change in the encoded protein sequence. Algorithms developed to predict the effect of missense changes on protein structure and function are either unavailable or do not agree on the potential impact of this missense change. The variant was absent in 251470 control chromosomes. The available data on variant occurrences in the general population are insufficient to allow any conclusion about variant significance. To our knowledge, no occurrence of c.3682C>G in individuals affected with CPS1-related conditions and no experimental evidence demonstrating its impact on protein function have been reported. No submitters have cited clinical-significance assessments for this variant to ClinVar. Based on the evidence outlined above, the variant was classified as uncertain significance.